The following is an entry in ClinVar:

ClinVar aggregate classification (germline): Likely pathogenic. Review status: criteria provided, multiple submitters, no conflicts (2 of 4 stars). 2 submissions from 2 submitters: Likely pathogenic (2). Last evaluated 2025-09-04.

Conditions:
Alport syndrome. Also called: Hemorrhagic familial nephritis; Hemorrhagic hereditary nephritis; Congenital hereditary hematuria. Identifiers: Orphanet 63, MedGen C1567741, MONDO:0018965.

Submissions (2):

Natera, Inc.
Classification: Likely pathogenic for Alport syndrome. Last evaluated: 2025-09-04. Review status: criteria provided, single submitter. Criteria: Natera Variant Classification Schema (03/2026). Collection method: clinical testing. Allele origin: germline.
Comment: The c.2039G>A variant in COL4A4 is a missense variant predicted to cause substitution of glycine to aspartic acid at amino acid 680. This variant is rare in the general population with a frequency below the threshold expected for the associated phenotype(s). This variant is located in a functionally critical region of the protein. Computational prediction algorithms indicate this variant is likely to affect gene or protein function. Given the available evidence, this variant is classified as Likely Pathogenic.

Athena Diagnostics
Classification: Likely pathogenic. Last evaluated: 2017-02-14. Review status: criteria provided, single submitter. Criteria: Athena Diagnostics Criteria. Collection method: clinical testing. Allele origin: germline.

NM_000092.5(COL4A4):c.2039G>A (p.Gly680Asp)

Gene: COL4A4 (collagen type IV alpha 4 chain; minus strand). Cytogenetic location: 2q36.3.
Variant type: single nucleotide variant.
Coding change: c.2039G>A on transcript NM_000092.5 (MANE Select); coding-DNA position 2039, G replaced by A.
Protein change: p.Gly680Asp; replaces glycine 680 with aspartic acid.
Molecular consequence: missense variant.
Genome position (GRCh38, 1-based): chr2:227,062,547, C>T on the plus strand (G>A on the coding strand, the complement: COL4A4 is on the minus strand). VCF-style: chr2-227062547-C-T. GRCh37 (hg19) VCF-style: chr2-227927263-C-T.
Other names: short protein forms G680D.
Identifiers: ClinVar variation 447183 (VCV000447183.2), dbSNP rs1553646081, ClinGen allele CA350842525.
Genomic context (GRCh38, chr2:227,062,547, plus strand): 5'-ACTCTGGGAAGTATATAAGACAGTAACTTCTCATTGATAATACCTGGAGGTCCATCAAAA[C>T]CTGGAGGGCCATGCCTCCCAGGGTAGGTTACGTTGCAAGAAATTGTGTCACCTGCAATGA-3'
Protein context (NP_000083.3, residues 670-690): VTYPGRHGPP[Gly680Asp]FDGPPGPKGF